The following is an entry in ClinVar:

NM_001287491.2(TET3):c.1267G>C (p.Ala423Pro)

Gene: TET3 (tet methylcytosine dioxygenase 3; plus strand). Cytogenetic location: 2p13.1.
Variant type: single nucleotide variant.
Coding change: c.1267G>C on transcript NM_001287491.2 (MANE Select); coding-DNA position 1267, G replaced by C.
Protein change: p.Ala423Pro; replaces alanine 423 with proline.
Molecular consequence: missense variant.
Genome position (GRCh38, 1-based): chr2:74,047,184, G>C. VCF-style: chr2-74047184-G-C. GRCh37 (hg19) VCF-style: chr2-74274311-G-C.
Other names: c.988G>C, p.Ala330Pro (NM_001366022.1); short protein forms A330P, A423P.
Identifiers: ClinVar variation 5039186 (VCV005039186.1).

ClinVar aggregate classification (germline): Uncertain significance (1 of 4 stars; one submission).

gnomAD v4.1: 34 of 1,613,828 alleles (0.0021%); highest among the groups gnomAD compares: Admixed American, 0.005%; no homozygotes.

Submission:

CeGaT Center for Human Genetics Tuebingen
Classification: Uncertain significance. Last evaluated: 2026-07-01. Review status: criteria provided, single submitter. Criteria: CeGaT Center For Human Genetics Tuebingen Variant Classification Criteria Version 2. Collection method: clinical testing. Allele origin: germline. Affected: yes. Observed: 1 variant allele.
Comment: TET3: PM2, BP4